The following is an entry in ClinVar:

ClinVar aggregate classification (germline): Uncertain significance (1 of 4 stars; one submission).

Submission:

GeneDx
Classification: Uncertain significance. Last evaluated: 2020-02-25. Review status: criteria provided, single submitter. Criteria: GeneDx Variant Classification Process June 2021. Collection method: clinical testing. Allele origin: germline. Affected: yes.
Comment: Not observed in large population cohorts (Lek et al., 2016); In silico analysis supports that this missense variant has a deleterious effect on protein structure/function; Has not been previously published as pathogenic or benign to our knowledge

NM_013275.6(ANKRD11):c.7870T>C (p.Trp2624Arg)

Gene: ANKRD11 (ankyrin repeat domain containing 11; minus strand). Cytogenetic location: 16q24.3.
Variant type: single nucleotide variant.
Coding change: c.7870T>C on transcript NM_013275.6 (MANE Select); coding-DNA position 7870, T replaced by C.
Protein change: p.Trp2624Arg; replaces tryptophan 2624 with arginine.
Molecular consequence: missense variant.
Genome position (GRCh38, 1-based): chr16:89,268,600, A>G on the plus strand (T>C on the coding strand, the complement: ANKRD11 is on the minus strand). VCF-style: chr16-89268600-A-G. GRCh37 (hg19) VCF-style: chr16-89335008-A-G.
Other names: c.7870T>C, p.Trp2624Arg (NM_001256182.2, NM_001256183.2); short protein forms W2624R.
Identifiers: ClinVar variation 1313835 (VCV001313835.2), dbSNP rs2151660908, ClinGen allele CA397145165.
Genomic context (GRCh38, chr16:89,268,600, plus strand): 5'-CCTCGTTCACGCACAGGGACTTGTGCCCGGCGGGGTCCAGTTCCTGCACCTTCAGCTGCC[A>G]CTCCATCCTCTGCACGGCGTTCAGGGCCGCGGCCTCGTGCTGCTGCCGCATGAGGAGGCA-3'
Protein context (NP_037407.4, residues 2614-2634): AALNAVQRME[Trp2624Arg]QLKVQELDPA